The following is an entry in ClinVar:

NM_005228.5(EGFR):c.679T>G (p.Ser227Ala)

Gene: EGFR (epidermal growth factor receptor; plus strand). Cytogenetic location: 7p11.2.
Variant type: single nucleotide variant.
Coding change: c.679T>G on transcript NM_005228.5 (MANE Select); coding-DNA position 679, T replaced by G.
Protein change: p.Ser227Ala; replaces serine 227 with alanine.
Molecular consequence: missense variant. On other transcripts: intron variant (1).
Genome position (GRCh38, 1-based): chr7:55,152,596, T>G. VCF-style: chr7-55152596-T-G. GRCh37 (hg19) VCF-style: chr7-55220289-T-G.
Other names: c.544T>G, p.Ser182Ala (NM_001346897.2, NM_001346899.2); c.679T>G, p.Ser227Ala (NM_001346898.2, NM_201282.2, NM_201283.2 and 1 more transcripts); c.520T>G, p.Ser174Ala (NM_001346900.2); c.89-3234T>G (NM_001346941.2); short protein forms S174A, S182A, S227A.
Identifiers: ClinVar variation 4870287 (VCV004870287.1).

ClinVar aggregate classification (germline): Uncertain significance (1 of 4 stars; one submission).

Conditions:
Hereditary cancer-predisposing syndrome. Also called: Neoplastic Syndromes, Hereditary; Tumor predisposition; Hereditary Cancer Syndrome; Hereditary neoplastic syndrome. Identifiers: Orphanet 140162, MedGen C0027672, MeSH D009386, MONDO:0015356.

Submission:

Ambry Genetics
Classification: Uncertain significance for Hereditary cancer-predisposing syndrome. Last evaluated: 2026-05-29. Review status: criteria provided, single submitter. Criteria: Ambry Variant Classification Scheme 2023. Collection method: clinical testing. Allele origin: germline.
Comment: The p.S227A variant (also known as c.679T>G), located in coding exon 6 of the EGFR gene, results from a T to G substitution at nucleotide position 679. The serine at codon 227 is replaced by alanine, an amino acid with similar properties. This amino acid position is not well conserved in available vertebrate species. In addition, this alteration is predicted to be tolerated by in silico analysis. Based on the available evidence, the clinical significance of this variant remains unclear.